The following is an entry in ClinVar:

NM_015102.5(NPHP4):c.1721C>T (p.Thr574Met)

Gene: NPHP4 (nephrocystin 4; minus strand). Cytogenetic location: 1p36.31.
Variant type: single nucleotide variant.
Coding change: c.1721C>T on transcript NM_015102.5 (MANE Select); coding-DNA position 1721, C replaced by T.
Protein change: p.Thr574Met; replaces threonine 574 with methionine.
Molecular consequence: missense variant. On other transcripts: non-coding transcript variant (1).
Genome position (GRCh38, 1-based): chr1:5,905,674, G>A on the plus strand (C>T on the coding strand, the complement: NPHP4 is on the minus strand). VCF-style: chr1-5905674-G-A. GRCh37 (hg19) VCF-style: chr1-5965734-G-A.
Other names: c.182C>T, p.Thr61Met (NM_001291593.2); c.185C>T, p.Thr62Met (NM_001291594.2); c.1721C>T (NM_015102.4); short protein forms T62M, T574M, T61M.
Identifiers: ClinVar variation 2045569 (VCV002045569.3), dbSNP rs746442303, ClinGen allele CA554401.

ClinVar aggregate classification (germline): Uncertain significance. Review status: criteria provided, multiple submitters, no conflicts (2 of 4 stars). 3 submissions from 3 submitters: Uncertain significance (3). Last evaluated 2026-03-11.

Conditions:
NPHP4-related disorder. Also called: NPHP4-related condition; NPHP4-related disorders. Identifiers: MedGen CN239384.
Nephronophthisis. Also called: Juvenile Nephronophthisis. Identifiers: Orphanet 655, MedGen C0687120, MONDO:0019005, HP:0000090.

Allele frequency attached by ClinVar (database versions not stated): gnomAD 0.00001; TOPMed 0.00002; ExAC 0.00004; gnomAD exomes 0.00005.
gnomAD v4.1: 78 of 1,613,816 alleles (0.0048%); highest among the groups gnomAD compares: South Asian, 0.018%; no homozygotes.

Submissions (3):

PreventionGenetics, part of Exact Sciences
Classification: Uncertain significance for NPHP4-related condition. Last evaluated: 2026-03-11. Review status: criteria provided, single submitter. Criteria: ACMG Guidelines, 2015. Collection method: clinical testing. Allele origin: germline.
Comment: The NPHP4 c.1721C>T variant is predicted to result in the amino acid substitution p.Thr574Met. To our knowledge, this variant has not been reported in the literature. This variant is reported in 0.0066% of alleles in individuals of South Asian descent in gnomAD. At this time, the clinical significance of this variant is uncertain due to the absence of conclusive functional and genetic evidence.

Blueprint Genetics
Classification: Uncertain significance. Last evaluated: 2024-11-06. Review status: criteria provided, single submitter. Criteria: ACMG Guidelines, 2015. Collection method: clinical testing. Allele origin: germline.

Labcorp Genetics (formerly Invitae), Labcorp
Classification: Uncertain significance for Nephronophthisis. Last evaluated: 2022-02-28. Review status: criteria provided, single submitter. Criteria: Invitae Variant Classification Sherloc (09022015). Collection method: clinical testing. Allele origin: germline.
Comment: This sequence change replaces threonine, which is neutral and polar, with methionine, which is neutral and non-polar, at codon 574 of the NPHP4 protein (p.Thr574Met). This variant is present in population databases (rs746442303, gnomAD 0.007%). This variant has not been reported in the literature in individuals affected with NPHP4-related conditions. Algorithms developed to predict the effect of missense changes on protein structure and function output the following: SIFT: "Tolerated"; PolyPhen-2: "Possibly Damaging"; Align-GVGD: "Class C0". The methionine amino acid residue is found in multiple mammalian species, which suggests that this missense change does not adversely affect protein function. In summary, the available evidence is currently insufficient to determine the role of this variant in disease. Therefore, it has been classified as a Variant of Uncertain Significance.